The following is an entry in ClinVar:

ClinVar aggregate classification (germline): Uncertain significance (1 of 4 stars; one submission).

Conditions:
Progressive familial heart block type IB (PFHB1B). Identifiers: Orphanet 871, MedGen C1970298, MONDO:0011474, OMIM 604559.

Submission:

Labcorp Genetics (formerly Invitae), Labcorp
Classification: Uncertain significance for Progressive familial heart block type IB. Last evaluated: 2025-03-11. Review status: criteria provided, single submitter. Criteria: Invitae Variant Classification Sherloc (09022015). Collection method: clinical testing. Allele origin: germline.
Comment: This sequence change replaces lysine, which is basic and polar, with glutamic acid, which is acidic and polar, at codon 16 of the TRPM4 protein (p.Lys16Glu). This variant is not present in population databases (gnomAD no frequency). This variant has not been reported in the literature in individuals affected with TRPM4-related conditions. An algorithm developed to predict the effect of missense changes on protein structure and function (PolyPhen-2) suggests that this variant is likely to be tolerated. In summary, the available evidence is currently insufficient to determine the role of this variant in disease. Therefore, it has been classified as a Variant of Uncertain Significance.

NM_017636.4(TRPM4):c.46A>G (p.Lys16Glu)

Gene: TRPM4 (transient receptor potential cation channel subfamily M member 4; plus strand). Cytogenetic location: 19q13.33.
Variant type: single nucleotide variant.
Coding change: c.46A>G on transcript NM_017636.4 (MANE Select); coding-DNA position 46, A replaced by G.
Protein change: p.Lys16Glu; replaces lysine 16 with glutamic acid.
Molecular consequence: missense variant. On other transcripts: 5 prime UTR variant (3).
Genome position (GRCh38, 1-based): chr19:49,158,213, A>G. VCF-style: chr19-49158213-A-G. GRCh37 (hg19) VCF-style: chr19-49661470-A-G.
Other names: c.46A>G, p.Lys16Glu (NM_001195227.2, NM_001321281.2); c.-1327A>G (NM_001321282.2); c.-121A>G (NM_001321283.2); c.-284A>G (NM_001321285.2); short protein forms K16E.
Identifiers: ClinVar variation 4774450 (VCV004774450.1).